The following is an entry in ClinVar:

NM_000540.3(RYR1):c.3965C>T (p.Ala1322Val)

Gene: RYR1 (ryanodine receptor 1; plus strand). Cytogenetic location: 19q13.2.
Variant type: single nucleotide variant.
Coding change: c.3965C>T on transcript NM_000540.3 (MANE Select); coding-DNA position 3965, C replaced by T.
Protein change: p.Ala1322Val; replaces alanine 1322 with valine.
Molecular consequence: missense variant.
Genome position (GRCh38, 1-based): chr19:38,473,576, C>T. VCF-style: chr19-38473576-C-T. GRCh37 (hg19) VCF-style: chr19-38964216-C-T.
Other names: c.3965C>T, p.Ala1322Val (NM_001042723.2); short protein forms A1322V.
Identifiers: ClinVar variation 3669985 (VCV003669985.3).
Genomic context (GRCh38, chr19:38,473,576, plus strand): 5'-GCACTGCAGGGGCCACCCCGCTGGCACCTCCTGGCCTGCAGCCCCCCGCCGAGGACGAGG[C>T]CCGGGCGGCGGAACCCGACCCTGACTACGAAAACCTGCGCCGCTCAGCTGGGGGCTGGAG-3'
Protein context (NP_000531.2, residues 1312-1332): PGLQPPAEDE[Ala1322Val]RAAEPDPDYE

ClinVar aggregate classification (germline): Uncertain significance. Review status: criteria provided, multiple submitters, no conflicts (2 of 4 stars). 3 submissions from 3 submitters: Uncertain significance (3). Last evaluated 2025-09-01.

Conditions:
RYR1-related disorder. Also called: RYR1-related condition; RYR1-related disorders. Identifiers: MedGen CN239331.
Inborn genetic diseases. Identifiers: MedGen C0950123, MeSH D030342.
Malignant hyperthermia, susceptibility to, 1 (MHS1). Also called: Anesthesia related hyperthermia; Malignant hyperpyrexia; Fulminating hyperpyrexia; Pharmacogenic myopathy; RYR1-Related Malignant Hyperthermia Susceptibility; Malignant hyperthermia suceptibility 1. Identifiers: Orphanet 423, MedGen C2930980, MONDO:0007783, OMIM 145600.

gnomAD v4.1: 5 of 1,595,464 alleles (0.00031%); highest among the groups gnomAD compares: East Asian, 0.0023%; no homozygotes.

Submissions (3):

Ambry Genetics
Classification: Uncertain significance for Inborn genetic diseases. Last evaluated: 2025-09-01. Review status: criteria provided, single submitter. Criteria: Ambry Variant Classification Scheme 2023. Collection method: clinical testing. Allele origin: germline.

Labcorp Genetics (formerly Invitae), Labcorp
Classification: Uncertain significance for RYR1-related disorder. Last evaluated: 2024-07-31. Review status: criteria provided, single submitter. Criteria: Invitae Variant Classification Sherloc (09022015). Collection method: clinical testing. Allele origin: germline.
Comment: This sequence change replaces alanine, which is neutral and non-polar, with valine, which is neutral and non-polar, at codon 1322 of the RYR1 protein (p.Ala1322Val). The frequency data for this variant in the population databases is considered unreliable, as metrics indicate poor data quality at this position in the gnomAD database. This variant has not been reported in the literature in individuals affected with RYR1-related conditions. Advanced modeling of protein sequence and biophysical properties (such as structural, functional, and spatial information, amino acid conservation, physicochemical variation, residue mobility, and thermodynamic stability) performed at Invitae indicates that this missense variant is not expected to disrupt RYR1 protein function with a negative predictive value of 95%. In summary, the available evidence is currently insufficient to determine the role of this variant in disease. Therefore, it has been classified as a Variant of Uncertain Significance.

Color Diagnostics, LLC DBA Color Health
Classification: Uncertain significance for Malignant hyperthermia, susceptibility to, 1. Last evaluated: 2024-03-06. Review status: criteria provided, single submitter. Criteria: ACMG Guidelines, 2015. Collection method: clinical testing. Allele origin: germline.
Comment: This missense variant replaces alanine with valine at codon 1322 of the RYR1 protein. Computational prediction suggests that this variant may not impact protein structure and function (internally defined REVEL score threshold <= 0.5, PMID: 27666373). To our knowledge, functional studies have not been reported for this variant. This variant has not been reported in individuals affected with RYR1-related disorders in the literature. This variant has been identified in 1/206600 chromosomes in the general population by the Genome Aggregation Database (gnomAD). The available evidence is insufficient to determine the role of this variant in disease conclusively. Therefore, this variant is classified as a Variant of Uncertain Significance.